The following is an entry in ClinVar:

NM_007294.4(BRCA1):c.2765C>T (p.Thr922Ile)

Gene: BRCA1 (BRCA1 DNA repair associated; minus strand). Cytogenetic location: 17q21.31.
Variant type: single nucleotide variant.
Coding change: c.2765C>T on transcript NM_007294.4 (MANE Select); coding-DNA position 2765, C replaced by T.
Protein change: p.Thr922Ile; replaces threonine 922 with isoleucine.
Molecular consequence: missense variant. On other transcripts: intron variant (137).
Genome position (GRCh38, 1-based): chr17:43,092,766, G>A on the plus strand (C>T on the coding strand, the complement: BRCA1 is on the minus strand). VCF-style: chr17-43092766-G-A. GRCh37 (hg19) VCF-style: chr17-41244783-G-A.
Other names: c.2552C>T, p.Thr851Ile (NM_001407895.1, NM_001407896.1, NM_001407897.1 and 9 more transcripts); c.2555C>T, p.Thr852Ile (NM_001407900.1, NM_001407902.1, NM_001407904.1 and 13 more transcripts); c.2765C>T, p.Thr922Ile (NM_001407581.1, NM_001407582.1, NM_001407583.1 and 30 more transcripts); c.2762C>T, p.Thr921Ile (NM_001407587.1, NM_001407590.1, NM_001407591.1 and 22 more transcripts); c.2642C>T, p.Thr881Ile (NM_001407919.1, NM_001407937.1, NM_001407938.1 and 19 more transcripts); c.2501C>T, p.Thr834Ile (NM_001407920.1, NM_001407921.1, NM_001407922.1 and 9 more transcripts); c.2498C>T, p.Thr833Ile (NM_001407930.1, NM_001407931.1, NM_001407932.1 and 2 more transcripts); c.2639C>T, p.Thr880Ile (NM_001407940.1, NM_001407941.1, NM_001407649.1 and 11 more transcripts); and 41 more; short protein forms T922I, T875I, T754I, T811I, T854I, T874I, T855I, T895I.
Identifiers: ClinVar variation 187427 (VCV000187427.12), dbSNP rs80357460, ClinGen allele CA001822.

ClinVar aggregate classification (germline): Conflicting classifications of pathogenicity. Review status: criteria provided, conflicting classifications (1 of 4 stars). 3 submissions from 3 submitters: Uncertain significance (2); Likely benign (1). Last evaluated 2025-07-01.

Conditions:
Hereditary cancer-predisposing syndrome. Also called: Neoplastic Syndromes, Hereditary; Tumor predisposition; Hereditary Cancer Syndrome; Hereditary neoplastic syndrome. Identifiers: Orphanet 140162, MedGen C0027672, MeSH D009386, MONDO:0015356.
Hereditary breast ovarian cancer syndrome. Also called: Hereditary breast and ovarian cancer; Hereditary breast and/or ovarian cancer syndrome; BRCA1- and BRCA2-Associated Hereditary Breast and Ovarian Cancer; Hereditary breast and ovarian cancer syndrome (HBOC); Hereditary breast and ovarian cancer syndrome; Breast and ovarian cancer. Identifiers: Orphanet 145, MedGen C0677776, MeSH D061325, MONDO:0003582. Disease mechanism: loss of function.

Submissions (3):

Ambry Genetics
Classification: Uncertain significance for Hereditary cancer-predisposing syndrome. Last evaluated: 2025-07-01. Review status: criteria provided, single submitter. Criteria: Ambry Variant Classification Scheme 2023. Collection method: clinical testing. Allele origin: germline.
Comment: The p.T922I variant (also known as c.2765C>T), located in coding exon 9 of the BRCA1 gene, results from a C to T substitution at nucleotide position 2765. The threonine at codon 922 is replaced by isoleucine, an amino acid with similar properties. This amino acid position is poorly conserved in available vertebrate species. In addition, the in silico prediction for this alteration is inconclusive. Based on the available evidence, the clinical significance of this variant remains unclear.

University of Washington Department of Laboratory Medicine, University of Washington
Classification: Likely benign for Hereditary cancer-predisposing syndrome. Last evaluated: 2023-03-23. Review status: criteria provided, single submitter. Criteria: Dines et al. (Genet Med. 2020). Collection method: curation. Allele origin: germline.
Comment: Missense variant in a coldspot region where missense variants are very unlikely to be pathogenic (PMID:31911673).

BRCA1 coldspot (exon 11 using historical exon numbering). Reclassification based on statistical prior probability

Labcorp Genetics (formerly Invitae), Labcorp
Classification: Uncertain significance for Hereditary breast ovarian cancer syndrome. Last evaluated: 2022-12-07. Review status: criteria provided, single submitter. Criteria: Invitae Variant Classification Sherloc (09022015). Collection method: clinical testing. Allele origin: germline.
Comment: In summary, the available evidence is currently insufficient to determine the role of this variant in disease. Therefore, it has been classified as a Variant of Uncertain Significance. Advanced modeling of protein sequence and biophysical properties (such as structural, functional, and spatial information, amino acid conservation, physicochemical variation, residue mobility, and thermodynamic stability) performed at Invitae indicates that this missense variant is not expected to disrupt BRCA1 protein function. ClinVar contains an entry for this variant (Variation ID: 187427). This variant has not been reported in the literature in individuals affected with BRCA1-related conditions. This variant is not present in population databases (gnomAD no frequency). This sequence change replaces threonine, which is neutral and polar, with isoleucine, which is neutral and non-polar, at codon 922 of the BRCA1 protein (p.Thr922Ile).